The following is an entry in ClinVar:

NM_173477.5(USH1G):c.327C>T (p.Gly109=)

Gene: USH1G (USH1 protein network component sans; minus strand). Cytogenetic location: 17q25.1.
Variant type: single nucleotide variant.
Coding change: c.327C>T on transcript NM_173477.5 (MANE Select); coding-DNA position 327, C replaced by T.
Protein change: p.Gly109=; no amino-acid change (glycine 109 retained).
Molecular consequence: synonymous variant.
Genome position (GRCh38, 1-based): chr17:74,920,509, G>A on the plus strand (C>T on the coding strand, the complement: USH1G is on the minus strand). VCF-style: chr17-74920509-G-A. GRCh37 (hg19) VCF-style: chr17-72916604-G-A.
Other names: c.18C>T, p.Gly6= (NM_001282489.3).
Identifiers: ClinVar variation 891904 (VCV000891904.10), dbSNP rs2038930076, ClinGen allele CA502037141.

ClinVar aggregate classification (germline): Conflicting classifications of pathogenicity. Review status: criteria provided, conflicting classifications (1 of 4 stars). 2 submissions from 2 submitters: Uncertain significance (1); Likely benign (1). Last evaluated 2023-07-17.

Conditions:
Usher syndrome type 1G. Also called: USHER SYNDROME, TYPE IG, MILD. Identifiers: Orphanet 231169, Orphanet 886, MedGen C1847089, MONDO:0011748, OMIM 606943.

Allele frequency attached by ClinVar (database versions not stated): gnomAD exomes below 0.00001.

Submissions (2):

Labcorp Genetics (formerly Invitae), Labcorp
Classification: Likely benign. Last evaluated: 2023-07-17. Review status: criteria provided, single submitter. Criteria: Invitae Variant Classification Sherloc (09022015). Collection method: clinical testing. Allele origin: germline.

Illumina Laboratory Services, Illumina
Classification: Uncertain significance for Usher syndrome type 1G. Last evaluated: 2017-04-28. Review status: criteria provided, single submitter. Criteria: ICSL Variant Classification Criteria 13 December 2019. Collection method: clinical testing. Allele origin: germline.
Comment: This variant was observed as part of a predisposition screen in an ostensibly healthy population. A literature search was performed for the gene, cDNA change, and amino acid change (where applicable). Publications were found based on this search. However, the evidence from the literature, in combination with allele frequency data from public databases where available, was not sufficient to rule this variant in or out of causing disease. Therefore, this variant is classified as a variant of unknown significance.

Literature cited by the submitters: PubMed 17896313 (cited by Illumina Laboratory Services, Illumina).